The following is an entry in ClinVar:

NM_022168.4(IFIH1):c.2714T>C (p.Phe905Ser)

Gene: IFIH1 (interferon induced with helicase C domain 1; minus strand). Cytogenetic location: 2q24.2.
Variant type: single nucleotide variant.
Coding change: c.2714T>C on transcript NM_022168.4 (MANE Select); coding-DNA position 2714, T replaced by C.
Protein change: p.Phe905Ser; replaces phenylalanine 905 with serine.
Molecular consequence: missense variant.
Genome position (GRCh38, 1-based): chr2:162,268,180, A>G on the plus strand (T>C on the coding strand, the complement: IFIH1 is on the minus strand). VCF-style: chr2-162268180-A-G. GRCh37 (hg19) VCF-style: chr2-163124690-A-G.
Other names: short protein forms F905S.
Identifiers: ClinVar variation 1388803 (VCV001388803.6), dbSNP rs371419955, ClinGen allele CA1934095.

ClinVar aggregate classification (germline): Uncertain significance (1 of 4 stars; one submission).

Conditions:
Singleton-Merten syndrome 1 (SGMRT1). Also called: Widened medullary cavities of bone, aortic calcification, abnormal dentition, and muscular weakness; Syndrome of widened medullary cavities of the metacarpals and phalanges, aortic calcification and abnormal dentition. Identifiers: Orphanet 85191, MedGen C4225427, MONDO:0024535, OMIM 182250.
Aicardi-Goutieres syndrome 7 (AGS7). Identifiers: Orphanet 51, MedGen C3888244, MONDO:0014367, OMIM 615846.

Allele frequency attached by ClinVar (database versions not stated): gnomAD exomes below 0.00001 and 0.00002; gnomAD 0.00001 and 0.00002; ExAC 0.00003; ESP Exome Variant Server 0.00008; 1000 Genomes Project 0.00040; 1000 Genomes Project 30x 0.00062.
gnomAD v4.1: 6 of 1,613,418 alleles (0.00037%); highest among the groups gnomAD compares: African/African-American, 0.004%; no homozygotes.

Submission:

Labcorp Genetics (formerly Invitae), Labcorp
Classification: Uncertain significance for Aicardi-Goutieres syndrome 7; Singleton-Merten syndrome 1. Last evaluated: 2023-08-06. Review status: criteria provided, single submitter. Criteria: Invitae Variant Classification Sherloc (09022015). Collection method: clinical testing. Allele origin: germline.
Comment: Advanced modeling of protein sequence and biophysical properties (such as structural, functional, and spatial information, amino acid conservation, physicochemical variation, residue mobility, and thermodynamic stability) has been performed at Invitae for this missense variant, however the output from this modeling did not meet the statistical confidence thresholds required to predict the impact of this variant on IFIH1 protein function. In summary, the available evidence is currently insufficient to determine the role of this variant in disease. Therefore, it has been classified as a Variant of Uncertain Significance. ClinVar contains an entry for this variant (Variation ID: 1388803). This variant has not been reported in the literature in individuals affected with IFIH1-related conditions. This variant is present in population databases (rs371419955, gnomAD 0.02%). This sequence change replaces phenylalanine, which is neutral and non-polar, with serine, which is neutral and polar, at codon 905 of the IFIH1 protein (p.Phe905Ser).